The following is an entry in ClinVar:

ClinVar aggregate classification (germline): Uncertain significance. Review status: criteria provided, multiple submitters, no conflicts (2 of 4 stars). 2 submissions from 2 submitters: Uncertain significance (2). Last evaluated 2025-08-11.

Conditions:
RAPSN-related disorder. Also called: RAPSN-related disorders; RAPSN-related condition. Identifiers: MedGen CN239397.

Submissions (2):

Myriad Genetics, Inc.
Classification: Uncertain significance for RAPSN-related disorder. Last evaluated: 2025-08-11. Review status: criteria provided, single submitter. Criteria: Myriad Autosomal Dominant, Autosomal Recessive and X-Linked Classification Criteria (2023). Collection method: clinical testing. Allele origin: unknown.
Comment: NM_005055.4(RAPSN):c.218C>A(A73D) is a missense variant classified as a variant of uncertain significance in the context of RAPSN-related disorders. A73D has been observed in a case with relevant disease (PMID: 31226102). Relevant functional assessments of this variant are available in the literature (PMID: 34033754). A73D has not been observed in referenced population frequency databases. In summary, there is insufficient evidence to classify NM_005055.4(RAPSN):c.218C>A(A73D) as pathogenic or benign. Please note: this variant was assessed in the context of healthy population screening.

Women's Health and Genetics/Laboratory Corporation of America, LabCorp
Classification: Uncertain significance. Last evaluated: 2025-02-05. Review status: criteria provided, single submitter. Criteria: LabCorp Variant Classification Summary - May 2015. Collection method: clinical testing. Allele origin: germline.
Comment: Variant summary: RAPSN c.218C>A (p.Ala73Asp) results in a non-conservative amino acid change located in the rapsyn N-terminal myristoylation and linker region domain (IPR019568) of the encoded protein sequence. Five of five in-silico tools predict a damaging effect of the variant on protein function. The variant was absent in 248772 control chromosomes. The available data on variant occurrences in the general population are insufficient to allow any conclusion about variant significance. c.218C>A has been reported in literature in a compound heterozygous individual affected with Congenital Myasthenic Syndrome (Espinoza_2019). These data do not allow any conclusion about variant significance. At least one publication reports experimental evidence evaluating an impact on protein function (Xing_2021). These results showed no damaging effect of this variant in both liquid-liquid phase separation (LLPS) and cargo protein co-condensation studies. The following publications have been ascertained in the context of this evaluation (PMID: 31226102, 34033754).No submitters have cited clinical-significance assessments for this variant to ClinVar. Based on the evidence outlined above, the variant was classified as uncertain significance.

Literature cited by the submitters: PubMed 31226102 (cited by Myriad Genetics, Inc. and Women's Health and Genetics/Laboratory Corporation of America, LabCorp); PubMed 34033754 (cited by Myriad Genetics, Inc. and Women's Health and Genetics/Laboratory Corporation of America, LabCorp).

NM_005055.5(RAPSN):c.218C>A (p.Ala73Asp)

Gene: RAPSN (receptor associated protein of the synapse; minus strand). Cytogenetic location: 11p11.2.
Variant type: single nucleotide variant.
Coding change: c.218C>A on transcript NM_005055.5 (MANE Select); coding-DNA position 218, C replaced by A.
Protein change: p.Ala73Asp; replaces alanine 73 with aspartic acid.
Molecular consequence: missense variant.
Genome position (GRCh38, 1-based): chr11:47,448,125, G>T on the plus strand (C>A on the coding strand, the complement: RAPSN is on the minus strand). VCF-style: chr11-47448125-G-T. GRCh37 (hg19) VCF-style: chr11-47469677-G-T.
Other names: c.218C>A, p.Ala73Asp (NM_032645.5); short protein forms A73D.
Identifiers: ClinVar variation 3768737 (VCV003768737.2).
Genomic context (GRCh38, chr11:47,448,125, plus strand): 5'-TTGCTGCGTGCCAGGTTCAGGTAGCTCTCCAGGAGGAAGTCGGCATCCTCCAGCTCCCGG[G>T]CCGTGTCGATCTGGACCACAGCGAACTGCACACAGCGACGGTGGGCAGGTGGTGCTCAGC-3'
Protein context (NP_005046.2, residues 63-83): LKFAVVQIDT[Ala73Asp]RELEDADFLL